The following is an entry in ClinVar:

ClinVar aggregate classification (germline): Uncertain significance (1 of 4 stars; one submission).

Conditions:
LAMA5-related disorder. Also called: LAMA5-related condition; LAMA5-Related Disorders.

Allele frequency attached by ClinVar (database versions not stated): gnomAD exomes below 0.00001; TOPMed below 0.00001; gnomAD 0.00001.
gnomAD v4.1: 2 of 1,579,506 alleles (0.00013%); highest among the groups gnomAD compares: East Asian, 0.0047%; no homozygotes.

Submission:

PreventionGenetics, part of Exact Sciences
Classification: Uncertain significance for LAMA5-related condition. Last evaluated: 2022-10-03. Review status: criteria provided, single submitter. Criteria: ACMG Guidelines, 2015. Collection method: clinical testing. Allele origin: germline.
Comment: The LAMA5 c.536G>A variant is predicted to result in the amino acid substitution p.Gly179Asp. To our knowledge, this variant has not been reported in the literature or in a large population database, indicating this variant is rare. At this time, the clinical significance of this variant is uncertain due to the absence of conclusive functional and genetic evidence.

NM_005560.6(LAMA5):c.536G>A (p.Gly179Asp)

Genes: LAMA5 (laminin subunit alpha 5; minus strand), LAMA5-AS1 (LAMA5 antisense RNA 1; plus strand). Cytogenetic location: 20q13.33.
Variant type: single nucleotide variant.
Coding change: c.536G>A on transcript NM_005560.6 (MANE Select); coding-DNA position 536, G replaced by A.
Protein change: p.Gly179Asp; replaces glycine 179 with aspartic acid.
Molecular consequence: missense variant. On other transcripts: non-coding transcript variant (3).
Genome position (GRCh38, 1-based): chr20:62,353,166, C>T on the plus strand (G>A on the coding strand, the complement: LAMA5 is on the minus strand). VCF-style: chr20-62353166-C-T. GRCh37 (hg19) VCF-style: chr20-60928222-C-T.
Other names: short protein forms G179D.
Identifiers: ClinVar variation 2636780 (VCV002636780.1), dbSNP rs1257878172, ClinGen allele CA409530929.